The following is an entry in ClinVar:

ClinVar aggregate classification (germline): Likely benign (0 of 4 stars; one submission).

Conditions:
NRP1-related disorder. Also called: NRP1-related condition.

gnomAD v4.1: 9 of 1,613,506 alleles (0.00056%); highest among the groups gnomAD compares: Admixed American, 0.013%; no homozygotes.

Submission:

PreventionGenetics, part of Exact Sciences
Classification: Likely benign for NRP1-related condition. Last evaluated: 2022-04-06. Review status: no assertion criteria provided. Collection method: clinical testing. Allele origin: germline.
Comment: This variant is classified as likely benign based on ACMG/AMP sequence variant interpretation guidelines (Richards et al. 2015 PMID: 25741868, with internal and published modifications).

NM_003873.7(NRP1):c.2046C>G (p.Pro682=)

Gene: NRP1 (neuropilin 1; minus strand). Cytogenetic location: 10p11.22.
Variant type: single nucleotide variant.
Coding change: c.2046C>G on transcript NM_003873.7 (MANE Select); coding-DNA position 2046, C replaced by G.
Protein change: p.Pro682=; no amino-acid change (proline 682 retained).
Molecular consequence: synonymous variant. On other transcripts: non-coding transcript variant (1).
Genome position (GRCh38, 1-based): chr10:33,192,297, G>C on the plus strand (C>G on the coding strand, the complement: NRP1 is on the minus strand). VCF-style: chr10-33192297-G-C. GRCh37 (hg19) VCF-style: chr10-33481225-G-C.
Other names: c.2025C>G, p.Pro675= (NM_001244972.2, NM_001244973.2); c.2046C>G, p.Pro682= (NM_001330068.2).
Identifiers: ClinVar variation 3351383 (VCV003351383.1).